The following is an entry in ClinVar:

ClinVar aggregate classification (germline): Likely benign (0 of 4 stars; one submission).

Conditions:
VPS13B-related disorder. Also called: VPS13B-related condition.

Submission:

PreventionGenetics, part of Exact Sciences
Classification: Likely benign for VPS13B-related condition. Last evaluated: 2021-12-08. Review status: no assertion criteria provided. Collection method: clinical testing. Allele origin: germline.
Comment: This variant is classified as likely benign based on ACMG/AMP sequence variant interpretation guidelines (Richards et al. 2015 PMID: 25741868, with internal and published modifications).

NM_152564.5(VPS13B):c.9331-16_9331-3dup

Gene: VPS13B (vacuolar protein sorting 13 homolog B; plus strand). Cytogenetic location: 8q22.2.
Variant type: Duplication.
Coding change: c.9331-16_9331-3dup on transcript NM_152564.5 (MANE Select); 16 bases into the intron before coding-DNA position 9331 through 3 bases into the intron before coding-DNA position 9331, 14 bases duplicated (TTTTTTTTTTTTTT).
Molecular consequence: intron variant.
Genome position (GRCh38, 1-based): chr8:99,832,353-99,832,366, TTTTTTTTTTTTTT duplicated; duplicating any 14 consecutive bases within chr8:99,832,342-99,832,366 gives the same sequence; the c. name uses the placement nearest the transcript's 3' end. VCF-style (leftmost placement, unchanged base first): chr8-99832341-A-ATTTTTTTTTTTTTT. GRCh37 (hg19) VCF-style: chr8-100844569-A-ATTTTTTTTTTTTTT.
Other names: c.9406-16_9406-3dup (NM_017890.5).
Identifiers: ClinVar variation 3038301 (VCV003038301.2), dbSNP rs370235149, ClinGen allele CA1117121052.